The following is an entry in ClinVar:

NM_000548.5(TSC2):c.2220+4C>G

Gene: TSC2 (TSC complex subunit 2; plus strand). Cytogenetic location: 16p13.3.
Variant type: single nucleotide variant.
Coding change: c.2220+4C>G on transcript NM_000548.5 (MANE Select); 4 bases into the intron after coding-DNA position 2220, C replaced by G.
Molecular consequence: intron variant.
Genome position (GRCh38, 1-based): chr16:2,072,367, C>G. VCF-style: chr16-2072367-C-G. GRCh37 (hg19) VCF-style: chr16-2122368-C-G.
Other names: c.2220+4C>G (NM_001114382.3, NM_021055.3, NM_001370405.1 and 4 more transcripts); c.2109+4C>G (NM_001318827.2); c.1620+4C>G (NM_001318831.2); c.2073+4C>G (NM_001318829.2); c.2253+4C>G (NM_001318832.2).
Identifiers: ClinVar variation 381732 (VCV000381732.71), dbSNP rs781186613, ClinGen allele CA037431.

ClinVar aggregate classification (germline): Conflicting classifications of pathogenicity. Review status: criteria provided, conflicting classifications (1 of 4 stars). 11 submissions from 11 submitters: Uncertain significance (7); Likely benign (4). Last evaluated 2026-01-28.

Conditions:
TSC2-related disorder. Also called: TSC2-related condition; TSC2-Related Disorders.
Hereditary cancer-predisposing syndrome. Also called: Neoplastic Syndromes, Hereditary; Tumor predisposition; Hereditary Cancer Syndrome; Hereditary neoplastic syndrome. Identifiers: Orphanet 140162, MedGen C0027672, MeSH D009386, MONDO:0015356.
Tuberous sclerosis syndrome (TSC). Also called: Tuberous Sclerosis Complex; Tuberous sclerosis. Identifiers: Orphanet 805, MedGen C0041341, MONDO:0001734.
Tuberous sclerosis 2 (TSC2). Identifiers: Orphanet 805, MedGen C1860707, MONDO:0013199, OMIM 613254.

Allele frequency attached by ClinVar (database versions not stated): gnomAD exomes below 0.00001 and 0.00001; ExAC 0.00001; gnomAD 0.00005; TOPMed 0.00011.
gnomAD v4.1: 12 of 1,613,782 alleles (0.00074%); highest among the groups gnomAD compares: African/African-American, 0.016%; no homozygotes.

Submissions (11):

Labcorp Genetics (formerly Invitae), Labcorp
Classification: Likely benign for Tuberous sclerosis 2. Last evaluated: 2026-01-28. Review status: criteria provided, single submitter. Criteria: Invitae Variant Classification Sherloc (09022015). Collection method: clinical testing. Allele origin: germline.

PreventionGenetics, part of Exact Sciences
Classification: Likely benign for TSC2-related condition. Last evaluated: 2025-06-19. Review status: criteria provided, single submitter. Criteria: ACMG Guidelines, 2015. Collection method: clinical testing. Allele origin: germline.
Comment: This variant is classified as likely benign based on ACMG/AMP sequence variant interpretation guidelines (Richards et al. 2015 PMID: 25741868, with internal and published modifications).

Myriad Genetics, Inc.
Classification: Likely benign for Tuberous sclerosis 2. Last evaluated: 2024-08-12. Review status: criteria provided, single submitter. Criteria: Myriad Autosomal Dominant, Autosomal Recessive and X-Linked Classification Criteria (2023). Collection method: clinical testing. Allele origin: unknown.
Comment: This variant is considered likely benign. This variant is intronic and is not expected to impact mRNA splicing. This variant has been observed at a population frequency that is significantly greater than expected given the associated disease prevalence and penetrance.

All of Us Research Program, National Institutes of Health
Classification: Uncertain significance for Tuberous sclerosis syndrome. Last evaluated: 2024-06-11. Review status: criteria provided, single submitter. Criteria: ACMG Guidelines, 2015. Collection method: clinical testing. Allele origin: germline. Inheritance: Autosomal dominant inheritance. Observed: 6 variant alleles, 6 heterozygotes.
Comment: This variant causes a C to G nucleotide substitution at the +4 position of intron 20 of the TSC2 gene. Splice site prediction tools suggest that this variant may not impact RNA splicing. To our knowledge, functional studies have not been reported for this variant. This variant has not been reported in individuals affected with TSC2-related disorders in the literature. This variant has been identified in 2/250742 chromosomes in the general population by the Genome Aggregation Database (gnomAD). The available evidence is insufficient to determine the role of this variant in disease conclusively. Therefore, this variant is classified as a Variant of Uncertain Significance.

This study involves interpretation of variants in research participants for the purpose of population health screening. Participant phenotype was not available at the time of variant classification. Additional details can be found in publication PMID: 35346344, PMCID: PMC8962531

Color Diagnostics, LLC DBA Color Health
Classification: Uncertain significance for Tuberous sclerosis syndrome. Last evaluated: 2024-04-03. Review status: criteria provided, single submitter. Criteria: ACMG Guidelines, 2015. Collection method: clinical testing. Allele origin: germline.
Comment: This variant causes a C to G nucleotide substitution at the +4 position of intron 20 of the TSC2 gene. Splice site prediction tools are inconclusive for this variant. To our knowledge, functional studies have not been reported for this variant. This variant has not been reported in individuals affected with TSC2-related disorders in the literature. This variant has been identified in 2/250742 chromosomes in the general population by the Genome Aggregation Database (gnomAD). The available evidence is insufficient to determine the role of this variant in disease conclusively. Therefore, this variant is classified as a Variant of Uncertain Significance.

Quest Diagnostics Nichols Institute San Juan Capistrano
Classification: Uncertain significance. Last evaluated: 2023-12-26. Review status: criteria provided, single submitter. Criteria: Quest Diagnostics criteria. Collection method: clinical testing. Allele origin: unknown.

GeneDx
Classification: Uncertain significance. Last evaluated: 2023-11-29. Review status: criteria provided, single submitter. Criteria: GeneDx Variant Classification Process June 2021. Collection method: clinical testing. Allele origin: germline. Affected: yes.
Comment: In silico analysis is inconclusive as to whether the variant alters gene splicing. In the absence of RNA/functional studies, the actual effect of this sequence change is unknown.; Has not been previously published as pathogenic or benign to our knowledge

Ambry Genetics
Classification: Likely benign for Hereditary cancer-predisposing syndrome. Last evaluated: 2022-04-04. Review status: criteria provided, single submitter. Criteria: Ambry Variant Classification Scheme 2023. Collection method: clinical testing. Allele origin: germline.

Sema4
Classification: Uncertain significance for Hereditary cancer-predisposing syndrome. Last evaluated: 2022-02-27. Review status: criteria provided, single submitter. Criteria: Sema4 Curation Guidelines. Collection method: curation. Allele origin: germline.
Comment: The TSC2 c.2220+4C>G variant has not been reported in the literature to our knowledge. It was observed in 2/16220 chromosomes of the African subpopulation in the large and broad cohorts of the Genome Aggregation Database (PMID 32461654) and has been reported in ClinVar (Variation ID 381732). In silico tools suggest the variant may create a cryptic splice acceptor site, though these predictions have not been confirmed by functional studies. The evidence is insufficient to meet ACMG/AMP criteria for classifying the variant as benign or pathogenic. Thus, the clinical significance of this variant is currently uncertain.

Genome-Nilou Lab
Classification: Uncertain significance for Tuberous sclerosis 2. Last evaluated: 2021-11-07. Review status: criteria provided, single submitter. Criteria: ACMG Guidelines, 2015. Collection method: clinical testing. Allele origin: germline. Affected: no.

Eurofins Ntd Llc (ga)
Classification: Uncertain significance. Last evaluated: 2017-06-13. Review status: criteria provided, single submitter. Criteria: EGL Classification Definitions 2015. Collection method: clinical testing. Allele origin: germline. Observed: 1 variant allele, 1 heterozygote.